The following is an entry in ClinVar:

ClinVar aggregate classification (germline): Uncertain significance (1 of 4 stars; one submission).

Conditions:
Inborn genetic diseases. Identifiers: MedGen C0950123, MeSH D030342.

Submission:

Ambry Genetics
Classification: Uncertain significance for Inborn genetic diseases. Last evaluated: 2017-05-24. Review status: criteria provided, single submitter. Criteria: Ambry Variant Classification Scheme 2023. Collection method: clinical testing. Allele origin: germline.
Comment: The p.V417F variant (also known as c.1249G>T), located in coding exon 4 of the GRIN2A gene, results from a G to T substitution at nucleotide position 1249. The valine at codon 417 is replaced by phenylalanine, an amino acid with highly similar properties. This amino acid position is highly conserved in available vertebrate species. In addition, the in silico prediction for this alteration is inconclusive. Since supporting evidence is limited at this time, the clinical significance of this alteration remains unclear.

NM_001134407.3(GRIN2A):c.1249G>T (p.Val417Phe)

Gene: GRIN2A (glutamate ionotropic receptor NMDA type subunit 2A; minus strand). Cytogenetic location: 16p13.2.
Variant type: single nucleotide variant.
Coding change: c.1249G>T on transcript NM_001134407.3 (MANE Select); coding-DNA position 1249, G replaced by T.
Protein change: p.Val417Phe; replaces valine 417 with phenylalanine.
Molecular consequence: missense variant.
Genome position (GRCh38, 1-based): chr16:9,849,835, C>A on the plus strand (G>T on the coding strand, the complement: GRIN2A is on the minus strand). VCF-style: chr16-9849835-C-A. GRCh37 (hg19) VCF-style: chr16-9943692-C-A.
Other names: c.1249G>T, p.Val417Phe (NM_000833.5, NM_001134408.2); short protein forms V417F.
Identifiers: ClinVar variation 590141 (VCV000590141.5), dbSNP rs749504561, ClinGen allele CA394801080.